The following is an entry in ClinVar:

NM_007118.4(TRIO):c.7844G>A (p.Ser2615Asn)

Gene: TRIO (trio Rho guanine nucleotide exchange factor; plus strand). Cytogenetic location: 5p15.2.
Variant type: single nucleotide variant.
Coding change: c.7844G>A on transcript NM_007118.4 (MANE Select); coding-DNA position 7844, G replaced by A.
Protein change: p.Ser2615Asn; replaces serine 2615 with asparagine.
Molecular consequence: missense variant. On other transcripts: non-coding transcript variant (1).
Genome position (GRCh38, 1-based): chr5:14,492,778, G>A. VCF-style: chr5-14492778-G-A. GRCh37 (hg19) VCF-style: chr5-14492887-G-A.
Other names: short protein forms S2615N.
Identifiers: ClinVar variation 1326009 (VCV001326009.2), dbSNP rs2126660520, ClinGen allele CA359238590.

ClinVar aggregate classification (germline): Uncertain significance (1 of 4 stars; one submission).

Allele frequency attached by ClinVar (database versions not stated): gnomAD exomes below 0.00001.
gnomAD v4.1: 1 of 1,614,150 alleles (0.000062%); highest among the groups gnomAD compares: South Asian, 0.0011%; no homozygotes.

Submission:

GeneDx
Classification: Uncertain significance. Last evaluated: 2021-09-21. Review status: criteria provided, single submitter. Criteria: GeneDx Variant Classification Process June 2021. Collection method: clinical testing. Allele origin: germline. Affected: yes.
Comment: Not observed in large population cohorts (Lek et al., 2016); In silico analysis, which includes protein predictors and evolutionary conservation, supports that this variant does not alter protein structure/function; Has not been previously published as pathogenic or benign to our knowledge